The following is an entry in ClinVar:

NM_174936.4(PCSK9):c.789C>T (p.Gly263=)

Gene: PCSK9 (proprotein convertase subtilisin/kexin type 9; plus strand). Cytogenetic location: 1p32.3.
Variant type: single nucleotide variant.
Coding change: c.789C>T on transcript NM_174936.4 (MANE Select); coding-DNA position 789, C replaced by T.
Protein change: p.Gly263=; no amino-acid change (glycine 263 retained).
Molecular consequence: synonymous variant. On other transcripts: non-coding transcript variant (8).
Genome position (GRCh38, 1-based): chr1:55,052,781, C>T. VCF-style: chr1-55052781-C-T. GRCh37 (hg19) VCF-style: chr1-55518454-C-T.
Other names: c.912C>T, p.Gly304= (NM_001407240.1); c.789C>T, p.Gly263= (NM_001407241.1, NM_001407244.1, NM_001407247.1); c.792C>T, p.Gly264= (NM_001407242.1); c.732C>T, p.Gly244= (NM_001407243.1); c.597C>T, p.Gly199= (NM_001407245.1); c.414C>T, p.Gly138= (NM_001407246.1).
Identifiers: ClinVar variation 1761089 (VCV001761089.3), dbSNP rs2523228508, ClinGen allele CA418181231.

ClinVar aggregate classification (germline): Conflicting classifications of pathogenicity. Review status: criteria provided, conflicting classifications (1 of 4 stars). 2 submissions from 2 submitters: Uncertain significance (1); Likely benign (1). Last evaluated 2023-06-08.

Conditions:
Hypercholesterolemia, autosomal dominant, 3 (FHCL3). Also called: Familial Hypercholesterolemia, Autosomal Dominant, 3; PCSK9-Related Familial Hypercholesterolemia, Autosomal Dominant; Familial hypercholesterolemia 3. Identifiers: MedGen C1863551, MONDO:0011369, OMIM 603776.
Cardiovascular phenotype. Identifiers: MedGen CN230736.

Allele frequency attached by ClinVar (database versions not stated): gnomAD exomes below 0.00001.
gnomAD v4.1: 1 of 1,613,134 alleles (0.000062%); highest among the groups gnomAD compares: South Asian, 0.0011%; no homozygotes.

Submissions (2):

All of Us Research Program, National Institutes of Health
Classification: Uncertain significance for Hypercholesterolemia, autosomal dominant, 3. Last evaluated: 2023-06-08. Review status: criteria provided, single submitter. Criteria: ACMG Guidelines, 2015. Collection method: clinical testing. Allele origin: germline. Inheritance: Autosomal dominant inheritance. Observed: 1 variant allele, 1 heterozygote.
Comment: This variant is located in the PCSK9 protein. To our knowledge, functional studies have not been reported for this variant. This variant has not been reported in individuals affected with PCSK9-related disorders in the literature. This variant has not been identified in the general population by the Genome Aggregation Database (gnomAD). The available evidence is insufficient to determine the role of this variant in disease conclusively. Therefore, this variant is classified as a Variant of Uncertain Significance.

This study involves interpretation of variants in research participants for the purpose of population health screening. Participant phenotype was not available at the time of variant classification. Additional details can be found in publication PMID: 35346344, PMCID: PMC8962531

Ambry Genetics
Classification: Likely benign for Cardiovascular phenotype. Last evaluated: 2022-04-03. Review status: criteria provided, single submitter. Criteria: Ambry Variant Classification Scheme 2023. Collection method: clinical testing. Allele origin: germline.